The following is an entry in ClinVar:

ClinVar aggregate classification (germline): Uncertain significance (1 of 4 stars; one submission).

Conditions:
Hereditary cancer-predisposing syndrome. Also called: Tumor predisposition; Neoplastic Syndromes, Hereditary; Hereditary Cancer Syndrome; Hereditary neoplastic syndrome. Identifiers: Orphanet 140162, MedGen C0027672, MeSH D009386, MONDO:0015356.

Submission:

Ambry Genetics
Classification: Uncertain significance for Hereditary cancer-predisposing syndrome. Last evaluated: 2024-10-18. Review status: criteria provided, single submitter. Criteria: Ambry Variant Classification Scheme 2023. Collection method: clinical testing. Allele origin: germline.
Comment: The p.Q615H variant (also known as c.1845A>T), located in coding exon 6 of the BLM gene, results from an A to T substitution at nucleotide position 1845. The glutamine at codon 615 is replaced by histidine, an amino acid with highly similar properties. This amino acid position is conserved. In addition, this alteration is predicted to be tolerated by in silico analysis. Based on the available evidence, the clinical significance of this variant remains unclear.

NM_000057.4(BLM):c.1845A>T (p.Gln615His)

Gene: BLM (BLM RecQ like helicase; plus strand). Cytogenetic location: 15q26.1.
Variant type: single nucleotide variant.
Coding change: c.1845A>T on transcript NM_000057.4 (MANE Select); coding-DNA position 1845, A replaced by T.
Protein change: p.Gln615His; replaces glutamine 615 with histidine.
Molecular consequence: missense variant.
Genome position (GRCh38, 1-based): chr15:90,761,218, A>T. VCF-style: chr15-90761218-A-T. GRCh37 (hg19) VCF-style: chr15-91304448-A-T.
Other names: c.1845A>T, p.Gln615His (NM_001287246.2, NM_001287247.2); c.720A>T, p.Gln240His (NM_001287248.2); short protein forms Q615H, Q240H.
Identifiers: ClinVar variation 3480881 (VCV003480881.1).